The following is an entry in ClinVar:

ClinVar aggregate classification (germline): Uncertain significance (1 of 4 stars; one submission).

Conditions:
Cardiovascular phenotype. Identifiers: MedGen CN230736.

Submission:

Ambry Genetics
Classification: Uncertain significance for Cardiovascular phenotype. Last evaluated: 2024-09-23. Review status: criteria provided, single submitter. Criteria: Ambry Variant Classification Scheme 2023. Collection method: clinical testing. Allele origin: germline.
Comment: The p.Y1853F variant (also known as c.5558A>T), located in coding exon 34 of the FLNC gene, results from an A to T substitution at nucleotide position 5558. The tyrosine at codon 1853 is replaced by phenylalanine, an amino acid with highly similar properties. This amino acid position is conserved. In addition, this alteration is predicted to be tolerated by in silico analysis. Based on the available evidence, the clinical significance of this variant remains unclear.

NM_001458.5(FLNC):c.5558A>T (p.Tyr1853Phe)

Genes: FLNC (filamin C; plus strand), FLNC-AS1 (FLNC antisense RNA 1; minus strand). Cytogenetic location: 7q32.1.
Variant type: single nucleotide variant.
Coding change: c.5558A>T on transcript NM_001458.5 (MANE Select); coding-DNA position 5558, A replaced by T.
Protein change: p.Tyr1853Phe; replaces tyrosine 1853 with phenylalanine.
Molecular consequence: missense variant.
Genome position (GRCh38, 1-based): chr7:128,851,250, A>T. VCF-style: chr7-128851250-A-T. GRCh37 (hg19) VCF-style: chr7-128491304-A-T.
Other names: c.5459A>T, p.Tyr1820Phe (NM_001127487.2); short protein forms Y1820F, Y1853F.
Identifiers: ClinVar variation 3515948 (VCV003515948.1).